The following is an entry in ClinVar:

ClinVar aggregate classification (germline): Likely pathogenic (3 of 4 stars; one submission).

Conditions:
Hereditary thrombocytopenia and hematologic cancer predisposition syndrome. Identifiers: Orphanet 71290, MedGen CN281654, MONDO:0011071.

Submissions (3):

ClinGen Myeloid Malignancy Variant Curation Expert Panel
Classification: Likely pathogenic for Hereditary thrombocytopenia and hematologic cancer predisposition syndrome. Last evaluated: 2026-10-05. Review status: reviewed by expert panel. Criteria: ClinGen MyeloMalig ACMG Specifications V3.1. Collection method: curation. Allele origin: germline. Inheritance: Autosomal dominant inheritance.
Comment: NM_001754.5(RUNX1):c.592G>A (p.Asp198Asn) is a missense variant which affects one of the hotspot residues (Asp198) within the RHD (amino acids 89-204; PM1_Strong). This variant has a REVEL score ≥ 0.88 (0.93) (PP3) and is completely absent from all population databases with at least 20x coverage for RUNX1 (PM2_Supporting). This variant has been reported in one proband meeting at least one of the RUNX1-phenotypic criteria (PS4_Supporting; PMID: 26175287). In summary, this variant meets the criteria to be classified as likely pathogenic. ACMG/AMP criteria applied, as specified by the Myeloid Malignancy Variant Curation Expert Panel for RUNX1: PM1_Strong, PP3, PM2_Supporting, PS4_Supporting.

Dr. Peter K. Rogan Lab, Western University
No classification provided (evidence only). Condition: Lung cancer. Review status: no classification provided. Collection method: in vitro. Allele origin: not applicable. Functional consequence: retained intron. Not counted in ClinVar's aggregate classification.

Dr. Peter K. Rogan Lab, Western University
No classification provided (evidence only). Condition: Acute myeloid leukemia. Review status: no classification provided. Collection method: in vitro. Allele origin: not applicable. Functional consequence: retained intron. Not counted in ClinVar's aggregate classification.

NM_001754.5(RUNX1):c.592G>A (p.Asp198Asn)

Genes: RUNX1 (RUNX family transcription factor 1; minus strand), RUNX1-AS1 (RUNX1 antisense RNA 1; plus strand). Cytogenetic location: 21q22.12.
Variant type: single nucleotide variant.
Coding change: c.592G>A on transcript NM_001754.5 (MANE Select); coding-DNA position 592, G replaced by A.
Protein change: p.Asp198Asn; replaces aspartic acid 198 with asparagine.
Molecular consequence: missense variant.
Genome position (GRCh38, 1-based): chr21:34,859,495, C>T on the plus strand (G>A on the coding strand, the complement: RUNX1 is on the minus strand). VCF-style: chr21-34859495-C-T. GRCh37 (hg19) VCF-style: chr21-36231792-C-T.
Other names: NM_001754.5:c.592G>A; NC_000021.8:g.36231792C>T; NM_001754.5(RUNX1):c.592G>A; p.Asp198Asn; c.511G>A, p.Asp171Asn (NM_001001890.3, NM_001122607.2); short protein forms D171N, D198N.
Identifiers: ClinVar variation 3340076 (VCV003340076.4).
Genomic context (GRCh38, chr21:34,859,495, plus strand): 5'-AGCCTGGAGGGTGTACCAGCCCCAAGTGGATGCACTTACTTCGAGGTTCTCGGGGCCCAT[C>T]CACTGTGATTTTGATGGCTCTGTGGTAGGTGGCGACTTGCGGTGGGTTTGTGAAGACAGT-3'
Protein context (NP_001745.2, residues 188-208): TYHRAIKITV[Asp198Asn]GPREPRRHRQ